The following is an entry in ClinVar:

NM_053025.4(MYLK):c.442G>A (p.Ala148Thr)

Gene: MYLK (myosin light chain kinase; minus strand). Cytogenetic location: 3q21.1.
Variant type: single nucleotide variant.
Coding change: c.442G>A on transcript NM_053025.4 (MANE Select); coding-DNA position 442, G replaced by A.
Protein change: p.Ala148Thr; replaces alanine 148 with threonine.
Molecular consequence: missense variant. On other transcripts: 5 prime UTR variant (1).
Genome position (GRCh38, 1-based): chr3:123,739,043, C>T on the plus strand (G>A on the coding strand, the complement: MYLK is on the minus strand). VCF-style: chr3-123739043-C-T. GRCh37 (hg19) VCF-style: chr3-123457890-C-T.
Other names: c.-87G>A (NM_001321309.2); c.442G>A, p.Ala148Thr (NM_053026.4, NM_053027.4, NM_053028.4); short protein forms A148T.
Identifiers: ClinVar variation 3228919 (VCV003228919.1), dbSNP rs1285059118, ClinGen allele CA354242036.

ClinVar aggregate classification (germline): Uncertain significance (1 of 4 stars; one submission).

Conditions:
Familial thoracic aortic aneurysm and aortic dissection (TAAD). Also called: Thoracic aortic aneurysms and dissections. Identifiers: Orphanet 91387, MedGen C4707243, MONDO:0019625.

Submission:

Ambry Genetics
Classification: Uncertain significance for Familial thoracic aortic aneurysm and aortic dissection. Last evaluated: 2023-02-26. Review status: criteria provided, single submitter. Criteria: Ambry Variant Classification Scheme 2023. Collection method: clinical testing. Allele origin: germline.
Comment: The p.A148T variant (also known as c.442G>A), located in coding exon 4 of the MYLK gene, results from a G to A substitution at nucleotide position 442. The alanine at codon 148 is replaced by threonine, an amino acid with similar properties. This amino acid position is conserved. In addition, this alteration is predicted to be tolerated by in silico analysis. Since supporting evidence is limited at this time, the clinical significance of this alteration remains unclear.